The following is an entry in ClinVar:

NM_004415.4(DSP):c.1273C>T (p.Arg425Ter)

Gene: DSP (desmoplakin; plus strand). Cytogenetic location: 6p24.3.
Variant type: single nucleotide variant.
Coding change: c.1273C>T on transcript NM_004415.4 (MANE Select); coding-DNA position 1273, C replaced by T.
Protein change: p.Arg425Ter; replaces arginine 425 with a stop codon.
Molecular consequence: nonsense.
Genome position (GRCh38, 1-based): chr6:7,568,443, C>T. VCF-style: chr6-7568443-C-T. GRCh37 (hg19) VCF-style: chr6-7568676-C-T.
Other names: c.1273C>T, p.Arg425Ter (NM_001008844.3, NM_001319034.2); short protein forms R425*.
Identifiers: ClinVar variation 44856 (VCV000044856.26), dbSNP rs397516915, ClinGen allele CA004862.

ClinVar aggregate classification (germline): Pathogenic/Likely pathogenic. Review status: criteria provided, multiple submitters, no conflicts (2 of 4 stars). 9 submissions from 9 submitters: Pathogenic (7); Likely pathogenic (2). Last evaluated 2026-01-18.

Conditions:
Cardiovascular phenotype. Identifiers: MedGen CN230736.
Familial isolated arrhythmogenic right ventricular dysplasia. Identifiers: Orphanet 217656, MedGen C4274968, MONDO:0016342.
Cardiomyopathy (CMYO). Also called: Cardiomyopathies. Identifiers: Orphanet 167848, MedGen C0878544, MONDO:0004994, HP:0001638. Inheritance: Various modes of inheritance.
Arrhythmogenic right ventricular cardiomyopathy (ARVD). Also called: Arrhythmogenic right ventricular dysplasia; Arrhythmogenic cardiomyopathy; Arrhythmogenic Right Ventricular Cardiomyopathy (ARVC); Cardiomyopathy, ARVC. Identifiers: Orphanet 247, MedGen C0349788, MeSH D019571, MONDO:0016587. Disease mechanism: loss of function. Inheritance: Various modes of inheritance.
Arrhythmogenic cardiomyopathy with wooly hair and keratoderma. Also called: Carvajal syndrome; PALMOPLANTAR KERATODERMA WITH LEFT VENTRICULAR CARDIOMYOPATHY AND WOOLLY HAIR; Arrhythmogenic cardiomyopathy with woolly hair and keratoderma; Dilated cardiomyopathy with woolly hair and keratoderma. Identifiers: Orphanet 65282, MedGen C1854063, MONDO:0011581, OMIM 605676.
Arrhythmogenic right ventricular dysplasia 8 (ARVD8). Also called: ARRHYTHMOGENIC RIGHT VENTRICULAR DYSPLASIA, FAMILIAL, 8; ARRHYTHMOGENIC RIGHT VENTRICULAR CARDIOMYOPATHY 8; Arrhythmogenic Right Ventricular Dysplasia/Cardiomyopathy 8. Identifiers: MedGen C1843896, MONDO:0011831, OMIM 607450.
DSP-related arrhythmogenic cardiomyopathy.

Allele frequency attached by ClinVar (database versions not stated): gnomAD exomes below 0.00001; ExAC 0.00001.
gnomAD v4.1: 4 of 1,613,976 alleles (0.00025%); highest among the groups gnomAD compares: Non-Finnish European, 0.00034%; no homozygotes.

Submissions (9):

Labcorp Genetics (formerly Invitae), Labcorp
Classification: Pathogenic for Arrhythmogenic cardiomyopathy with wooly hair and keratoderma; Arrhythmogenic right ventricular dysplasia 8. Last evaluated: 2026-01-18. Review status: criteria provided, single submitter. Criteria: Invitae Variant Classification Sherloc (09022015). Collection method: clinical testing. Allele origin: germline.
Comment: This sequence change creates a premature translational stop signal (p.Arg425*) in the DSP gene. It is expected to result in an absent or disrupted protein product. Loss-of-function variants in DSP are known to be pathogenic (PMID: 20716751, 24503780, 25227139, 30398466). This variant is present in population databases (rs397516915, gnomAD 0.0009%). This premature translational stop signal has been observed in individual(s) with arrhythmogenic right ventricular cardiomyopathy (PMID: 22555271). ClinVar contains an entry for this variant (Variation ID: 44856). For these reasons, this variant has been classified as Pathogenic.

GeneDx
Classification: Pathogenic. Last evaluated: 2025-01-15. Review status: criteria provided, single submitter. Criteria: GeneDx Variant Classification Process June 2021. Collection method: clinical testing. Allele origin: germline. Affected: yes.
Comment: Nonsense variant predicted to result in protein truncation or nonsense mediated decay in a gene for which loss of function is a known mechanism of disease; Identified in patients with ARVC in the published literature (PMID: 22555271, 35653365, 34400560); Not observed at significant frequency in large population cohorts (gnomAD); This variant is associated with the following publications: (PMID: 36129056, 31402444, 35653365, Atak2021[Computational], 36264615, 22555271, 34400560)

Ambry Genetics
Classification: Pathogenic for Cardiovascular phenotype. Last evaluated: 2024-06-17. Review status: criteria provided, single submitter. Criteria: Ambry Variant Classification Scheme 2023. Collection method: clinical testing. Allele origin: germline.
Comment: The c.1273C>T (p.R425*) alteration, located in exon 11 (coding exon 11) of the DSP gene, consists of a C to T substitution at nucleotide position 1273. This changes the amino acid from an arginine (R) to a stop codon at amino acid position 425. This alteration is expected to result in loss of function by premature protein truncation or nonsense-mediated mRNA decay. Based on data from gnomAD, the T allele has an overall frequency of <0.001% (1/251268) total alleles studied. The highest observed frequency was 0.001% (1/113658) of European (non-Finnish) alleles. This variant was reported in an individual with familial arrhythmogenic right ventricular cardiomyopathy (ARVC) (Kindel, 2012). Based on the available evidence, this alteration is classified as pathogenic.

Color Diagnostics, LLC DBA Color Health
Classification: Pathogenic for Cardiomyopathy. Last evaluated: 2024-02-20. Review status: criteria provided, single submitter. Criteria: ACMG Guidelines, 2015. Collection method: clinical testing. Allele origin: germline.
Comment: This variant changes 1 nucleotide in exon 11/24 of the DSP gene, creating a premature translation stop signal. This variant is expected to result in an absent or non-functional protein product. This variant has been reported in three individuals affected with arrhythmogenic cardiomyopathy (PMID: 22555271, 33821670). This variant has been identified in 1/251268 chromosomes in the general population by the Genome Aggregation Database (gnomAD). Loss of DSP function is a known mechanism of disease. Based on the available evidence, this variant is classified as Pathogenic.

All of Us Research Program, National Institutes of Health
Classification: Pathogenic for Arrhythmogenic cardiomyopathy with wooly hair and keratoderma. Last evaluated: 2023-11-17. Review status: criteria provided, single submitter. Criteria: ACMG Guidelines, 2015. Collection method: clinical testing. Allele origin: germline. Inheritance: Autosomal dominant inheritance. Observed: 1 variant allele, 1 heterozygote.
Comment: The c.1273C>T (p.Arg425*) variant in the DSP gene creates a premature translation stop codon. It is predicted to result in a disrupted protein product or absent protein due to nonsense mediated decay. This variant has been observed in patients affected with arrhythmogenic right ventricular cardiomyopathy/ dysplasia (ARVC/D) (PMID: 33821670, 22555271). This variant is rare (1/251268) alleles in the general population database, gnomAD. ClinVar has an entry for this variant (ID:44856). Loss-of-function variants in DSP gene are known to be pathogenic (PMID: 24503780, 20716751, 25227139). Therefore, the c.1273C>T (p.Arg425*) variant in the DSP gene is classified as pathogenic.

This study involves interpretation of variants in research participants for the purpose of population health screening. Participant phenotype was not available at the time of variant classification. Additional details can be found in publication PMID: 35346344, PMCID: PMC8962531

Women's Health and Genetics/Laboratory Corporation of America, LabCorp
Classification: Pathogenic for Familial isolated arrhythmogenic right ventricular dysplasia. Last evaluated: 2023-08-28. Review status: criteria provided, single submitter. Criteria: LabCorp Variant Classification Summary - May 2015. Collection method: clinical testing. Allele origin: germline.
Comment: Variant summary: DSP c.1273C>T (p.Arg425X) results in a premature termination codon, predicted to cause a truncation of the encoded protein or absence of the protein due to nonsense mediated decay, which are commonly known mechanisms for disease. Variants downstream of this position have been classified as pathogenic by our laboratory. The variant allele was found at a frequency of 4e-06 in 251268 control chromosomes (gnomAD). c.1273C>T has been reported in the literature in individuals affected with Arrhythmogenic Right Ventricular Dysplasia/Cardiomyopathy (Kindel_2012, Protonotarios_2022). These data indicate that the variant may be associated with disease. To our knowledge, no experimental evidence demonstrating an impact on protein function has been reported. The following publications have been ascertained in the context of this evaluation (PMID: 22555271, 35766183, 35653365). Seven submitters have cited clinical-significance assessments for this variant to ClinVar after 2014. All submitters classified the variant as pathogenic (n=3) and likely pathogenic (n=4). Based on the evidence outlined above, the variant was classified as pathogenic.

Undiagnosed Diseases Network, NIH
Classification: Pathogenic for DSP-related arrhythmogenic cardiomyopathy. Last evaluated: 2019-08-14. Review status: criteria provided, single submitter. Criteria: ACMG Guidelines, 2015. Collection method: clinical testing. Allele origin: unknown. Inheritance: Autosomal dominant inheritance. Affected: yes. Observed: 1 variant allele, 1 heterozygote.

Laboratory for Molecular Medicine, Mass General Brigham Personalized Medicine
Classification: Likely pathogenic for Arrhythmogenic right ventricular cardiomyopathy. Last evaluated: 2019-04-29. Review status: criteria provided, single submitter. Criteria: LMM Criteria. Collection method: clinical testing. Allele origin: germline. Inheritance: Autosomal dominant inheritance. Observed: 2 variant alleles.
Comment: proposed classification - variant undergoing re-assessment, contact laboratory

CHEO Genetics Diagnostic Laboratory, Children's Hospital of Eastern Ontario
Classification: Likely pathogenic for Cardiomyopathy. Last evaluated: 2015-09-28. Review status: criteria provided, single submitter. Criteria: ACMG Guidelines, 2015. Collection method: clinical testing. Allele origin: germline. Study: Canadian Open Genetics Repository.

Literature cited by the submitters: PubMed 20716751 (cited by 3 submitters); PubMed 24503780 (cited by 3 submitters); PubMed 25227139 (cited by Labcorp Genetics (formerly Invitae), Labcorp and All of Us Research Program, National Institutes of Health); PubMed 30398466 (cited by Labcorp Genetics (formerly Invitae), Labcorp); PubMed 22555271 (cited by 5 submitters); PubMed 20400443 (cited by Ambry Genetics); PubMed 21606390 (cited by Ambry Genetics); PubMed 21859740 (cited by Ambry Genetics); PubMed 23137101 (cited by Ambry Genetics); PubMed 31402444 (cited by Ambry Genetics); PubMed 33821670 (cited by Color Diagnostics, LLC DBA Color Health and All of Us Research Program, National Institutes of Health); PubMed 35653365 (cited by Women's Health and Genetics/Laboratory Corporation of America, LabCorp); PubMed 35766183 (cited by Women's Health and Genetics/Laboratory Corporation of America, LabCorp).